The following is an entry in ClinVar:

NM_001349253.2(SCN11A):c.561G>T (p.Glu187Asp)

Gene: SCN11A (sodium voltage-gated channel alpha subunit 11; minus strand). Cytogenetic location: 3p22.2.
Variant type: single nucleotide variant.
Coding change: c.561G>T on transcript NM_001349253.2 (MANE Select); coding-DNA position 561, G replaced by T.
Protein change: p.Glu187Asp; replaces glutamic acid 187 with aspartic acid.
Molecular consequence: missense variant.
Genome position (GRCh38, 1-based): chr3:38,926,859, C>A on the plus strand (G>T on the coding strand, the complement: SCN11A is on the minus strand). VCF-style: chr3-38926859-C-A. GRCh37 (hg19) VCF-style: chr3-38968350-C-A.
Other names: c.561G>T, p.Glu187Asp (NM_014139.3); short protein forms E187D.
Identifiers: ClinVar variation 2127601 (VCV002127601.4), dbSNP rs2470645579, ClinGen allele CA352173736.
Genomic context (GRCh38, chr3:38,926,859, plus strand): 5'-TTACGCTATTCCAATGACAATGGAGTCCAGCCAGTTCCATGGATCTCGAAGGAAAGAAAA[C>A]TCATCCAGAATGAAACCTCTTGCCAATATTTTAATCAAAGCTTCAAAAATATAAATCCCA-3'
Protein context (NP_001336182.1, residues 177-197): KILARGFILD[Glu187Asp]FSFLRDPWNW

ClinVar aggregate classification (germline): Uncertain significance (1 of 4 stars; one submission).

Conditions:
Hereditary sensory and autonomic neuropathy type 7. Also called: Neuropathy, hereditary sensory and autonomic, type VII; HSAN VII. Identifiers: Orphanet 391397, MedGen C3809882, MONDO:0014244, OMIM 615548.
Familial episodic pain syndrome with predominantly lower limb involvement. Also called: Episodic pain syndrome, familial, 3. Identifiers: Orphanet 391384, Orphanet 391392, MedGen C3809899, MONDO:0014247, OMIM 615552.

Allele frequency attached by ClinVar (database versions not stated): gnomAD exomes below 0.00001.
gnomAD v4.1: 1 of 1,613,336 alleles (0.000062%); highest among the groups gnomAD compares: Non-Finnish European, 0.000085%; no homozygotes.

Submission:

Labcorp Genetics (formerly Invitae), Labcorp
Classification: Uncertain significance for Familial episodic pain syndrome with predominantly lower limb involvement; Hereditary sensory and autonomic neuropathy type 7. Last evaluated: 2025-12-19. Review status: criteria provided, single submitter. Criteria: Invitae Variant Classification Sherloc (09022015). Collection method: clinical testing. Allele origin: germline.
Comment: This sequence change replaces glutamic acid, which is acidic and polar, with aspartic acid, which is acidic and polar, at codon 187 of the SCN11A protein (p.Glu187Asp). This variant is not present in population databases (gnomAD no frequency). This variant has not been reported in the literature in individuals affected with SCN11A-related conditions. ClinVar contains an entry for this variant (Variation ID: 2127601). Invitae Evidence Modeling of protein sequence and biophysical properties (such as structural, functional, and spatial information, amino acid conservation, physicochemical variation, residue mobility, and thermodynamic stability) indicates that this missense variant is not expected to disrupt SCN11A protein function with a negative predictive value of 80%. In summary, the available evidence is currently insufficient to determine the role of this variant in disease. Therefore, it has been classified as a Variant of Uncertain Significance.